The following is an entry in ClinVar:

ClinVar aggregate classification (germline): Uncertain significance (1 of 4 stars; one submission).

Conditions:
Pitt-Hopkins-like syndrome 2 (PTHSL2). Identifiers: Orphanet 221150, Orphanet 600663, MedGen C3280479, MONDO:0013690, OMIM 614325.

Allele frequency attached by ClinVar (database versions not stated): gnomAD exomes below 0.00001; gnomAD 0.00001; TOPMed 0.00002.
gnomAD v4.1: 2 of 1,443,752 alleles (0.00014%); highest among the groups gnomAD compares: African/African-American, 0.0029%; no homozygotes.

Submission:

Labcorp Genetics (formerly Invitae), Labcorp
Classification: Uncertain significance for Pitt-Hopkins-like syndrome 2. Last evaluated: 2025-02-17. Review status: criteria provided, single submitter. Criteria: Invitae Variant Classification Sherloc (09022015). Collection method: clinical testing. Allele origin: germline.
Comment: This sequence change replaces glycine, which is neutral and non-polar, with arginine, which is basic and polar, at codon 2 of the NRXN1 protein (p.Gly2Arg). This variant is not present in population databases (gnomAD no frequency). This variant has not been reported in the literature in individuals affected with NRXN1-related conditions. ClinVar contains an entry for this variant (Variation ID: 2957263). An algorithm developed to predict the effect of missense changes on protein structure and function (PolyPhen-2) suggests that this variant is likely to be tolerated. In summary, the available evidence is currently insufficient to determine the role of this variant in disease. Therefore, it has been classified as a Variant of Uncertain Significance.

NM_001330078.2(NRXN1):c.4G>C (p.Gly2Arg)

Gene: NRXN1 (neurexin 1; minus strand). Cytogenetic location: 2p16.3.
Variant type: single nucleotide variant.
Coding change: c.4G>C on transcript NM_001330078.2 (MANE Select); coding-DNA position 4, G replaced by C.
Protein change: p.Gly2Arg; replaces glycine 2 with arginine.
Molecular consequence: missense variant.
Genome position (GRCh38, 1-based): chr2:51,028,270, C>G on the plus strand (G>C on the coding strand, the complement: NRXN1 is on the minus strand). VCF-style: chr2-51028270-C-G. GRCh37 (hg19) VCF-style: chr2-51255408-C-G.
Other names: c.4G>C, p.Gly2Arg (NM_001135659.3, NM_001330077.2, NM_001330079.2 and 15 more transcripts); short protein forms G2R.
Identifiers: ClinVar variation 2957263 (VCV002957263.3), dbSNP rs867477898, ClinGen allele CA346824900.